The following is an entry in ClinVar:

NM_001164508.2(NEB):c.25153C>A (p.Gln8385Lys)

Genes: NEB (nebulin; minus strand), RIF1 (replication timing regulatory factor 1; plus strand). Cytogenetic location: 2q23.3.
Variant type: single nucleotide variant.
Coding change: c.25153C>A on transcript NM_001164508.2 (MANE Select); coding-DNA position 25153, C replaced by A.
Protein change: p.Gln8385Lys; replaces glutamine 8385 with lysine.
Molecular consequence: missense variant.
Genome position (GRCh38, 1-based): chr2:151,490,516, G>T on the plus strand (C>A on the coding strand, the complement: NEB is on the minus strand). VCF-style: chr2-151490516-G-T. GRCh37 (hg19) VCF-style: chr2-152347030-G-T.
Other names: c.25153C>A, p.Gln8385Lys (NM_001164507.2); c.25258C>A, p.Gln8420Lys (NM_001271208.2); c.19585C>A, p.Gln6529Lys (NM_004543.5); short protein forms Q6529K, Q8420K, Q8385K.
Identifiers: ClinVar variation 1984470 (VCV001984470.1), dbSNP rs2551671931, ClinGen allele CA348771215.

ClinVar aggregate classification (germline): Uncertain significance (1 of 4 stars; one submission).

Conditions:
Nemaline myopathy 2 (NEM2). Also called: Nemaline myopathy 2, autosomal recessive. Identifiers: MedGen C1850569, MONDO:0009725, OMIM 256030.

Submission:

Labcorp Genetics (formerly Invitae), Labcorp
Classification: Uncertain significance for Nemaline myopathy 2. Last evaluated: 2020-07-23. Review status: criteria provided, single submitter. Criteria: Invitae Variant Classification Sherloc (09022015). Collection method: clinical testing. Allele origin: germline.
Comment: This sequence change replaces glutamine with lysine at codon 8420 of the NEB protein (p.Gln8420Lys). The glutamine residue is moderately conserved and there is a small physicochemical difference between glutamine and lysine. This variant is not present in population databases (ExAC no frequency). This variant has not been reported in the literature in individuals with NEB-related conditions. Algorithms developed to predict the effect of missense changes on protein structure and function are either unavailable or do not agree on the potential impact of this missense change (SIFT: "Deleterious"; PolyPhen-2: "Not Available"; Align-GVGD: "Class C0"). In summary, the available evidence is currently insufficient to determine the role of this variant in disease. Therefore, it has been classified as a Variant of Uncertain Significance.